The following is an entry in ClinVar:

ClinVar aggregate classification (germline): Uncertain significance (1 of 4 stars; one submission).

Conditions:
PHIP-related disorder. Also called: PHIP-related disorders; PHIP-related condition.

Submission:

PreventionGenetics, part of Exact Sciences
Classification: Uncertain significance for PHIP-related condition. Last evaluated: 2025-01-18. Review status: criteria provided, single submitter. Criteria: ACMG Guidelines, 2015. Collection method: clinical testing. Allele origin: germline.
Comment: The PHIP c.1542T>G variant is predicted to result in the amino acid substitution p.His514Gln. To our knowledge, this variant has not been reported in the literature or in a large population database (gnomAD), indicating this variant is rare. At this time, the clinical significance of this variant is uncertain due to the absence of conclusive functional and genetic evidence.

NM_017934.7(PHIP):c.1542T>G (p.His514Gln)

Gene: PHIP (PHIP subunit of CUL4-Ring ligase complex; minus strand). Cytogenetic location: 6q14.1.
Variant type: single nucleotide variant.
Coding change: c.1542T>G on transcript NM_017934.7 (MANE Select); coding-DNA position 1542, T replaced by G.
Protein change: p.His514Gln; replaces histidine 514 with glutamine.
Molecular consequence: missense variant.
Genome position (GRCh38, 1-based): chr6:79,003,841, A>C on the plus strand (T>G on the coding strand, the complement: PHIP is on the minus strand). VCF-style: chr6-79003841-A-C. GRCh37 (hg19) VCF-style: chr6-79713558-A-C.
Other names: short protein forms H514Q.
Identifiers: ClinVar variation 4998899 (VCV004998899.1).
Genomic context (GRCh38, chr6:79,003,841, plus strand): 5'-AGAGTCTGTGCATGCAAAATGCTGACCATCAGGAGAGCATTTGCAGTCAAATACTGCGCC[A>C]TGTCCTTGGCCTTCAATCTGAAATATATTTAACCAACAGTAAGAAAACTACCATTAAAAT-3'
Protein context (NP_060404.4, residues 504-524): SYFNMIEGQG[His514Gln]GAVFDCKCSP